The following is an entry in ClinVar:

NM_001036.6(RYR3):c.3477G>A (p.Met1159Ile)

Gene: RYR3 (ryanodine receptor 3; plus strand). Cytogenetic location: 15q14.
Variant type: single nucleotide variant.
Coding change: c.3477G>A on transcript NM_001036.6 (MANE Select); coding-DNA position 3477, G replaced by A.
Protein change: p.Met1159Ile; replaces methionine 1159 with isoleucine.
Molecular consequence: missense variant.
Genome position (GRCh38, 1-based): chr15:33,636,471, G>A. VCF-style: chr15-33636471-G-A. GRCh37 (hg19) VCF-style: chr15-33928672-G-A.
Other names: c.3477G>A, p.Met1159Ile (NM_001243996.4); c.3477G>A (NM_001036.3); short protein forms M1159I.
Identifiers: ClinVar variation 1047714 (VCV001047714.9), dbSNP rs1373277946, ClinGen allele CA391575725.

ClinVar aggregate classification (germline): Uncertain significance. Review status: criteria provided, multiple submitters, no conflicts (2 of 4 stars). 2 submissions from 2 submitters: Uncertain significance (2). Last evaluated 2022-01-05.

Conditions:
Epileptic encephalopathy. Identifiers: MedGen C0543888, HP:0200134.

Allele frequency attached by ClinVar (database versions not stated): gnomAD exomes below 0.00001; TOPMed below 0.00001.

Submissions (2):

Ambry Genetics
Classification: Uncertain significance. Last evaluated: 2022-01-05. Review status: criteria provided, single submitter. Criteria: Ambry Variant Classification Scheme 2023. Collection method: clinical testing. Allele origin: germline.

Labcorp Genetics (formerly Invitae), Labcorp
Classification: Uncertain significance for Epileptic encephalopathy. Last evaluated: 2020-03-26. Review status: criteria provided, single submitter. Criteria: Invitae Variant Classification Sherloc (09022015). Collection method: clinical testing. Allele origin: germline.
Comment: In summary, the available evidence is currently insufficient to determine the role of this variant in disease. Therefore, it has been classified as a Variant of Uncertain Significance. Algorithms developed to predict the effect of missense changes on protein structure and function (SIFT, PolyPhen-2, Align-GVGD) all suggest that this variant is likely to be tolerated, but these predictions have not been confirmed by published functional studies and their clinical significance is uncertain. This variant has not been reported in the literature in individuals with RYR3-related conditions. This variant is not present in population databases (ExAC no frequency). This sequence change replaces methionine with isoleucine at codon 1159 of the RYR3 protein (p.Met1159Ile). The methionine residue is highly conserved and there is a small physicochemical difference between methionine and isoleucine.